The following is an entry in ClinVar:

ClinVar aggregate classification (germline): Likely pathogenic (1 of 4 stars; one submission).

Conditions:
Classic dopamine transporter deficiency syndrome (PKDYS1). Also called: Parkinsonism-dystonia, infantile, 1; DOPAMINE TRANSPORTER DEFICIENCY SYNDROME. Identifiers: Orphanet 238455, MedGen C5700336, MONDO:0054835, OMIM 613135.

Submission:

Variantyx, Inc.
Classification: Likely pathogenic for Classic dopamine transporter deficiency syndrome. Last evaluated: 2025-04-14. Review status: criteria provided, single submitter. Criteria: Variantyx Assertion Criteria 2022. Collection method: clinical testing. Allele origin: germline. Inheritance: Autosomal recessive inheritance. Affected: no.
Comment: This is a frameshift variant in the SLC6A3 gene (OMIM: 126455). Pathogenic variants in this gene have been associated with autosomal recessive infantile onset parkinsonism-dystonia type 1. This variant introduces a premature termination codon in exon 13 out of 15 and is expected to result in loss of function, which is a known disease mechanism for SLC6A3 in this disorder (PMID: 19478460, 21112253, 22279524) (PVS1). This variant is absent from control populations (PM2) and has not been reported in individuals with SLC6A3-related disorders in the databases available for review. Based on the current evidence, this variant is classified as likely pathogenic for autosomal recessive infantile onset parkinsonism-dystonia type 1.

Literature cited by the submitters: PubMed 19478460; PubMed 21112253; PubMed 22279524.

NM_001044.5(SLC6A3):c.1708dup (p.Ala570fs)

Gene: SLC6A3 (solute carrier family 6 member 3). Cytogenetic location: 5p15.33.
Variant type: Duplication.
Coding change: c.1708dup on transcript NM_001044.5 (MANE Select); coding-DNA position 1708, one base duplicated.
Protein change: p.Ala570fs; shifts the reading frame from alanine 570.
Molecular consequence: frameshift variant.
Genome position: GRCh38 VCF-style: chr5-1402980-G-GC. GRCh37 (hg19) VCF-style: chr5-1403095-G-GC.
Other names: short protein forms A570fs.
Identifiers: ClinVar variation 4813769 (VCV004813769.1).